The following is an entry in ClinVar:

NM_000302.4(PLOD1):c.481G>A (p.Ala161Thr)

Gene: PLOD1 (procollagen-lysine,2-oxoglutarate 5-dioxygenase 1; plus strand). Cytogenetic location: 1p36.22.
Variant type: single nucleotide variant.
Coding change: c.481G>A on transcript NM_000302.4 (MANE Select); coding-DNA position 481, G replaced by A.
Protein change: p.Ala161Thr; replaces alanine 161 with threonine.
Molecular consequence: missense variant.
Genome position (GRCh38, 1-based): chr1:11,952,637, G>A. VCF-style: chr1-11952637-G-A. GRCh37 (hg19) VCF-style: chr1-12012694-G-A.
Other names: c.622G>A, p.Ala208Thr (NM_001316320.2); short protein forms A161T, A208T.
Identifiers: ClinVar variation 529345 (VCV000529345.11), dbSNP rs1553134244, ClinGen allele CA338428215.

ClinVar aggregate classification (germline): Uncertain significance. Review status: criteria provided, multiple submitters, no conflicts (2 of 4 stars). 2 submissions from 2 submitters: Uncertain significance (2). Last evaluated 2026-09-12.

Conditions:
Ehlers-Danlos syndrome, kyphoscoliotic type 1 (EDSKSCL1). Also called: EHLERS-DANLOS SYNDROME, OCULAR-SCOLIOTIC TYPE; PLOD1-Related Kyphoscoliotic Ehlers-Danlos Syndrome; EHLERS-DANLOS SYNDROME, TYPE VIA; Ehlers-Danlos syndrome, hydroxylysine-deficient. Identifiers: Orphanet 1900, MedGen C0268342, MONDO:0016002, OMIM 225400. Disease mechanism: loss of function.
Familial thoracic aortic aneurysm and aortic dissection (TAAD). Also called: Thoracic aortic aneurysms and dissections. Identifiers: Orphanet 91387, MedGen C4707243, MONDO:0019625.

Submissions (2):

Ambry Genetics
Classification: Uncertain significance for Familial thoracic aortic aneurysm and aortic dissection. Last evaluated: 2026-09-12. Review status: criteria provided, single submitter. Criteria: Ambry Variant Classification Scheme 2023. Collection method: clinical testing. Allele origin: germline.
Comment: The p.A161T variant (also known as c.481G>A), located in coding exon 5 of the PLOD1 gene, results from a G to A substitution at nucleotide position 481. The alanine at codon 161 is replaced by threonine, an amino acid with similar properties. This amino acid position is conserved. In addition, this alteration is predicted to be tolerated by in silico analysis. Based on the available evidence, the clinical significance of this variant remains unclear.

Labcorp Genetics (formerly Invitae), Labcorp
Classification: Uncertain significance for Ehlers-Danlos syndrome, kyphoscoliotic type 1. Last evaluated: 2019-06-04. Review status: criteria provided, single submitter. Criteria: Invitae Variant Classification Sherloc (09022015). Collection method: clinical testing. Allele origin: germline.
Comment: In summary, the available evidence is currently insufficient to determine the role of this variant in disease. Therefore, it has been classified as a Variant of Uncertain Significance. Algorithms developed to predict the effect of missense changes on protein structure and function do not agree on the potential impact of this missense change (SIFT: "Deleterious"; PolyPhen-2: "Possibly Damaging"; Align-GVGD: "Class C0"). This variant has not been reported in the literature in individuals with PLOD1-related disease. This variant is not present in population databases (ExAC no frequency). This sequence change replaces alanine with threonine at codon 161 of the PLOD1 protein (p.Ala161Thr). The alanine residue is highly conserved and there is a small physicochemical difference between alanine and threonine.